The following is an entry in ClinVar:

ClinVar aggregate classification (germline): Pathogenic (1 of 4 stars; one submission).

Submission:

Labcorp Genetics (formerly Invitae), Labcorp
Classification: Pathogenic. Last evaluated: 2025-08-15. Review status: criteria provided, single submitter. Criteria: Invitae Variant Classification Sherloc (09022015). Collection method: clinical testing. Allele origin: germline.
Comment: This sequence change creates a premature translational stop signal (p.Lys148Serfs*53) in the LSS gene. It is expected to result in an absent or disrupted protein product. Loss-of-function variants in LSS are known to be pathogenic (PMID: 30723320). This variant is not present in population databases (gnomAD no frequency). This variant has not been reported in the literature in individuals affected with LSS-related conditions. ClinVar contains an entry for this variant (Variation ID: 2120289). For these reasons, this variant has been classified as Pathogenic.

Literature cited by the submitters: PubMed 30723320.

NM_002340.6(LSS):c.443del (p.Lys148fs)

Gene: LSS (lanosterol synthase; minus strand). Cytogenetic location: 21q22.3.
Variant type: Deletion.
Coding change: c.443del on transcript NM_002340.6 (MANE Select); coding-DNA position 443, one base deleted (A; older notation c.443delA).
Protein change: p.Lys148fs; shifts the reading frame from lysine 148.
Molecular consequence: frameshift variant.
Genome position (GRCh38, 1-based): chr21:46,221,961, T deleted on the plus strand (A on the coding strand, the reverse complement: LSS is on the minus strand); the first of 2 consecutive T bases (chr21:46,221,961-46,221,962); deleting either gives the same sequence. VCF-style (leftmost placement, unchanged base first): chr21-46221960-CT-C. GRCh37 (hg19) VCF-style: chr21-47641874-CT-C.
Other names: c.443del, p.Lys148fs (NM_001001438.3); c.410del, p.Lys137fs (NM_001145436.2); c.203del, p.Lys68fs (NM_001145437.2); short protein forms K137fs, K148fs, K68fs.
Identifiers: ClinVar variation 2120289 (VCV002120289.4), dbSNP rs2517248411, ClinGen allele CA2580098920.